The following is an entry in ClinVar:

ClinVar aggregate classification (germline): Uncertain significance (1 of 4 stars; one submission).

Conditions:
Cardiovascular phenotype. Identifiers: MedGen CN230736.

Submission:

Ambry Genetics
Classification: Uncertain significance for Cardiovascular phenotype. Last evaluated: 2025-11-24. Review status: criteria provided, single submitter. Criteria: Ambry Variant Classification Scheme 2023. Collection method: clinical testing. Allele origin: germline.
Comment: The p.S2127F variant (also known as c.6380C>T), located in coding exon 2 of the ZNF469 gene, results from a C to T substitution at nucleotide position 6380. The serine at codon 2127 is replaced by phenylalanine, an amino acid with highly dissimilar properties. This amino acid position is conserved. In addition, this alteration is predicted to be tolerated by in silico analysis. Based on the available evidence, the clinical significance of this variant remains unclear.

NM_001127464.1:c.6380C>T

Gene: ZNF469 (zinc finger protein 469; plus strand).
Variant type: single nucleotide variant.
Identifiers: ClinVar variation 4615520 (VCV004615520.1).